The following is an entry in ClinVar:

NM_001369.3(DNAH5):c.1207_1208delinsAAGAGACAGT (p.Gln403fs)

Gene: DNAH5 (dynein axonemal heavy chain 5; minus strand). Cytogenetic location: 5p15.2.
Variant type: Indel.
Coding change: c.1207_1208delinsAAGAGACAGT on transcript NM_001369.3 (MANE Select); coding-DNA positions 1207 to 1208, CA replaced by AAGAGACAGT.
Protein change: p.Gln403fs; shifts the reading frame from glutamine 403.
Molecular consequence: frameshift variant.
Genome position (GRCh38, 1-based): chr5:13,914,632-13,914,633, TG replaced by ACTGTCTCTT on the plus strand (CA replaced by AAGAGACAGT on the coding strand, the reverse complement: DNAH5 is on the minus strand). VCF-style: chr5-13914632-TG-ACTGTCTCTT. GRCh37 (hg19) VCF-style: chr5-13914741-TG-ACTGTCTCTT.
Other names: short protein forms Q403fs.
Identifiers: ClinVar variation 5010757 (VCV005010757.1).

ClinVar aggregate classification (germline): Pathogenic (1 of 4 stars; one submission).

Conditions:
Primary ciliary dyskinesia 3. Identifiers: Orphanet 244, MedGen C1837618, MONDO:0012085, OMIM 608644.

Submission:

Myriad Genetics, Inc.
Classification: Pathogenic for Primary ciliary dyskinesia 3. Last evaluated: 2024-05-14. Review status: criteria provided, single submitter. Criteria: Myriad Autosomal Dominant, Autosomal Recessive and X-Linked Classification Criteria (2023). Collection method: clinical testing. Allele origin: unknown.
Comment: NM_001369.2(DNAH5):c.1207_1208del2ins10(Q403Kfs*4) is expected to be pathogenic in the context of primary ciliary dyskinesia, DNAH5-related. This variant is predicted to lead to an abnormal or absent protein product due to the creation of a premature termination codon in DNAH5, a gene where loss-of-function variants are known to be pathogenic. Please note: this variant was assessed in the context of healthy population screening.